The following is an entry in ClinVar:

ClinVar aggregate classification (germline): Benign (0 of 4 stars; one submission).

Conditions:
CHGB-related disorder. Also called: CHGB-related condition.

Allele frequency attached by ClinVar (database versions not stated): 1000 Genomes Project 30x 0.00016; 1000 Genomes Project 0.00020; ESP Exome Variant Server 0.00069; TOPMed 0.00090; ExAC 0.00138; gnomAD 0.00147; gnomAD exomes 0.00176.
gnomAD v4.1: 2,773 of 1,614,188 alleles (0.17%); highest among the groups gnomAD compares: Non-Finnish European, 0.18%; 6 homozygotes.

Submission:

PreventionGenetics, part of Exact Sciences
Classification: Benign for CHGB-related condition. Last evaluated: 2019-12-02. Review status: no assertion criteria provided. Collection method: clinical testing. Allele origin: germline.
Comment: This variant is classified as benign based on ACMG/AMP sequence variant interpretation guidelines (Richards et al. 2015 PMID: 25741868, with internal and published modifications).

NM_001819.3(CHGB):c.689A>G (p.His230Arg)

Gene: CHGB (chromogranin B; plus strand). Cytogenetic location: 20p12.3.
Variant type: single nucleotide variant.
Coding change: c.689A>G on transcript NM_001819.3 (MANE Select); coding-DNA position 689, A replaced by G.
Protein change: p.His230Arg; replaces histidine 230 with arginine.
Molecular consequence: missense variant.
Genome position (GRCh38, 1-based): chr20:5,922,833, A>G. VCF-style: chr20-5922833-A-G. GRCh37 (hg19) VCF-style: chr20-5903479-A-G.
Other names: short protein forms H230R.
Identifiers: ClinVar variation 3038932 (VCV003038932.2), dbSNP rs138343696, ClinGen allele CA9755566.